The following is an entry in ClinVar:

NM_003482.4(KMT2D):c.7090A>C (p.Ser2364Arg)

Gene: KMT2D (lysine methyltransferase 2D; minus strand). Cytogenetic location: 12q13.12.
Variant type: single nucleotide variant.
Coding change: c.7090A>C on transcript NM_003482.4 (MANE Select); coding-DNA position 7090, A replaced by C.
Protein change: p.Ser2364Arg; replaces serine 2364 with arginine.
Molecular consequence: missense variant.
Genome position (GRCh38, 1-based): chr12:49,040,680, T>G on the plus strand (A>C on the coding strand, the complement: KMT2D is on the minus strand). VCF-style: chr12-49040680-T-G. GRCh37 (hg19) VCF-style: chr12-49434463-T-G.
Other names: short protein forms S2364R.
Identifiers: ClinVar variation 4980136 (VCV004980136.1).

ClinVar aggregate classification (germline): Uncertain significance (1 of 4 stars; one submission).

Conditions:
KMT2D-related disorder. Also called: KMT2D-Related Disorders.

gnomAD v4.1: 2 of 1,613,628 alleles (0.00012%); highest among the groups gnomAD compares: African/African-American, 0.0027%; no homozygotes.

Submission:

PreventionGenetics, part of Exact Sciences
Classification: Uncertain significance for KMT2D-related condition. Last evaluated: 2026-07-24. Review status: criteria provided, single submitter. Criteria: ACMG Guidelines, 2015. Collection method: clinical testing. Allele origin: germline.
Comment: The KMT2D c.7090A>C variant is predicted to result in the amino acid substitution p.Ser2364Arg. To our knowledge, this variant has not been reported in the literature or in a large population database (gnomAD), indicating this variant is rare. At this time, the clinical significance of this variant is uncertain due to the absence of conclusive functional and genetic evidence.